The following is an entry in ClinVar:

ClinVar aggregate classification (germline): Benign. Review status: reviewed by expert panel (3 of 4 stars). 5 submissions from 5 submitters: Benign (1). 4 of the submissions do not count toward it. Last evaluated 2025-09-05.

Conditions:
Primary ciliary dyskinesia. Also called: Ciliary dyskinesia. Identifiers: Orphanet 244, MedGen C0008780, MONDO:0016575, HP:0012265.
RPGR-related disorder. Also called: RPGR-related condition.
RPGR-related retinopathy. Also called: RPGR retinopathy. Identifiers: MedGen CN305589, MONDO:0100437.

Submissions (5):

ClinGen X-linked Inherited Retinal Disease Variant Curation Expert Panel, ClinGen
Classification: Benign for RPGR-related retinopathy. Last evaluated: 2025-09-05. Review status: reviewed by expert panel. Criteria: ClinGen X LinkedIRD ACMG Specifications RPGR V1.0.0. Collection method: curation. Allele origin: germline. Inheritance: X-linked inheritance.
Comment: NM_001034853.2(RPGR):c.2976_2990del (p.Glu993_Glu997del) is an in-frame deletion variant of 15 nucleotides encoding amino acids 993-997 and is located within a low complexity region (PMID: 27162334) that extends approximately from amino acids 787–1043 in RPGR (PMID: 11992260, BP3). This variant is present in gnomAD v4.1.0 at a frequency of 0.0007266 among hemizygous individuals, with 126 variant alleles / 173,417 total hemizygous alleles, which is higher than the ClinGen X-linked IRD VCEP BA1 threshold of >0.00005 (BA1). This variant has been reported to be present in 0.8% of the affected patients carrying another variant found to be the cause of disease (PMID: 11992260), however, BP2 is considered not applicable for RPGR. In summary, this variant is classified as benign for RPGR-related retinopathy based on the ClinGen X-linked Inherited Retinal Disease Expert Panel Specifications to the ACMG/AMP Variant Interpretation Guidelines for RPGR Version 1.0.0; BA1 and BP3.

PreventionGenetics, part of Exact Sciences
Classification: Benign for RPGR-related condition. Last evaluated: 2026-01-29. Review status: criteria provided, single submitter. Criteria: ACMG Guidelines, 2015. Collection method: clinical testing. Allele origin: germline. Not counted in ClinVar's aggregate classification.
Comment: This variant is classified as benign based on ACMG/AMP sequence variant interpretation guidelines (Richards et al. 2015 PMID: 25741868, with internal and published modifications).

Labcorp Genetics (formerly Invitae), Labcorp
Classification: Uncertain significance for Primary ciliary dyskinesia. Last evaluated: 2025-01-30. Review status: criteria provided, single submitter. Criteria: Invitae Variant Classification Sherloc (09022015). Collection method: clinical testing. Allele origin: germline. Not counted in ClinVar's aggregate classification.
Comment: This variant, c.2976_2990del, results in the deletion of 5 amino acid(s) of the RPGR (ORF15) protein (p.Glu994_Glu998del), but otherwise preserves the integrity of the reading frame. The frequency data for this variant in the population databases is considered unreliable, as metrics indicate poor data quality at this position in the gnomAD database. This variant has not been reported in the literature in individuals affected with RPGR (ORF15)-related conditions. ClinVar contains an entry for this variant (Variation ID: 1695290). Experimental studies and prediction algorithms are not available or were not evaluated, and the functional significance of this variant is currently unknown. In summary, the available evidence is currently insufficient to determine the role of this variant in disease. Therefore, it has been classified as a Variant of Uncertain Significance.

Blueprint Genetics
Classification: Likely benign. Last evaluated: 2024-10-16. Review status: criteria provided, single submitter. Criteria: ACMG Guidelines, 2015. Collection method: clinical testing. Allele origin: germline. Not counted in ClinVar's aggregate classification.

CeGaT Center for Human Genetics Tuebingen
Classification: Likely benign. Last evaluated: 2022-06-01. Review status: criteria provided, single submitter. Criteria: CeGaT Center For Human Genetics Tuebingen Variant Classification Criteria Version 2. Collection method: clinical testing. Allele origin: germline. Affected: yes. Observed: 1 variant allele. Not counted in ClinVar's aggregate classification.
Comment: RPGR: BS1

NM_001034853.2(RPGR):c.2976_2990del (p.989EGEEE[1])

Gene: RPGR (retinitis pigmentosa GTPase regulator; minus strand). Cytogenetic location: Xp11.4.
Variant type: Deletion.
Coding change: c.2976_2990del on transcript NM_001034853.2 (MANE Select); coding-DNA positions 2976 to 2990, 15 bases deleted (GGAGGAAGGGGAAGA).
Protein change: p.989EGEEE[1].
Molecular consequence: inframe deletion. On other transcripts: intron variant (8).
Genome position (GRCh38, 1-based): chrX:38,286,009-38,286,023, TCTTCCCCTTCCTCC deleted on the plus strand (GGAGGAAGGGGAAGA on the coding strand, the reverse complement: RPGR is on the minus strand); deleting any 15 consecutive bases within chrX:38,286,009-38,286,031 gives the same sequence; the c. name uses the placement nearest the transcript's 3' end. VCF-style (leftmost placement, unchanged base first): chrX-38286008-TTCTTCCCCTTCCTCC-T. GRCh37 (hg19) VCF-style: chrX-38145261-TTCTTCCCCTTCCTCC-T.
Other names: NM_001034853.2(RPGR):c.2976_2990del; p.989EGEEE[1]; c.1569+4936_1569+4950del (NM_001367249.1, NM_001367250.1); c.1902+1071_1902+1085del (NM_001367245.1); c.1386+4936_1386+4950del (NM_001367251.1); c.1719+1071_1719+1085del (NM_001367246.1); c.1572+4936_1572+4950del (NM_001367247.1); c.1905+1071_1905+1085del (NM_000328.3); and 2 more.
Identifiers: ClinVar variation 1695290 (VCV001695290.40), dbSNP rs761365864, ClinGen allele CA10385227.